The following is an entry in ClinVar:

NM_004006.3(DMD):c.2622G>C (p.Lys874Asn)

Gene: DMD (dystrophin; minus strand). Cytogenetic location: Xp21.1.
Variant type: single nucleotide variant.
Coding change: c.2622G>C on transcript NM_004006.3 (MANE Select); coding-DNA position 2622, G replaced by C.
Protein change: p.Lys874Asn; replaces lysine 874 with asparagine.
Molecular consequence: missense variant.
Genome position (GRCh38, 1-based): chrX:32,491,277, C>G on the plus strand (G>C on the coding strand, the complement: DMD is on the minus strand). VCF-style: chrX-32491277-C-G. GRCh37 (hg19) VCF-style: chrX-32509394-C-G.
Other names: c.2598G>C, p.Lys866Asn (NM_000109.4); c.2610G>C, p.Lys870Asn (NM_004009.3); c.2253G>C, p.Lys751Asn (NM_004010.3); short protein forms K751N, K866N, K870N, K874N.
Identifiers: ClinVar variation 1698519 (VCV001698519.4), dbSNP rs2148630194, ClinGen allele CA412671783.

ClinVar aggregate classification (germline): Likely pathogenic. Review status: criteria provided, multiple submitters, no conflicts (2 of 4 stars). 2 submissions from 2 submitters: Likely pathogenic (2). Last evaluated 2023-10-07.

Conditions:
Duchenne muscular dystrophy (DMD). Also called: MUSCULAR DYSTROPHY, PSEUDOHYPERTROPHIC PROGRESSIVE, DUCHENNE TYPE; Duchenne Muscular Dystrophy (DMD). Identifiers: Orphanet 98896, MedGen C0013264, MONDO:0010679, OMIM 310200.
Neuromuscular disease caused by qualitative or quantitative defects of dystrophin. Also called: Qualitative or quantitative defects of dystrophin. Identifiers: Orphanet 207085, MedGen C5679787, MONDO:0016147.

Submissions (2):

Labcorp Genetics (formerly Invitae), Labcorp
Classification: Likely pathogenic for Duchenne muscular dystrophy. Last evaluated: 2023-10-07. Review status: criteria provided, single submitter. Criteria: Invitae Variant Classification Sherloc (09022015). Collection method: clinical testing. Allele origin: germline.
Comment: This sequence change replaces lysine, which is basic and polar, with asparagine, which is neutral and polar, at codon 874 of the DMD protein (p.Lys874Asn). This variant also falls at the last nucleotide of exon 20, which is part of the consensus splice site for this exon. This variant is not present in population databases (gnomAD no frequency). This missense change has been observed in individuals with clinical features of DMD-related conditions (PMID: 20485447; Invitae). ClinVar contains an entry for this variant (Variation ID: 1698519). An algorithm developed to predict the effect of missense changes on protein structure and function (PolyPhen-2) suggests that this variant is likely to be disruptive. Variants that disrupt the consensus splice site are a relatively common cause of aberrant splicing (PMID: 17576681, 9536098). Studies have shown that this missense change is associated with altered splicing resulting in unknown protein product impact (PMID: 20485447). In summary, the currently available evidence indicates that the variant is pathogenic, but additional data are needed to prove that conclusively. Therefore, this variant has been classified as Likely Pathogenic.

Women's Health and Genetics/Laboratory Corporation of America, LabCorp
Classification: Likely pathogenic for Neuromuscular disease caused by qualitative or quantitative defects of dystrophin. Last evaluated: 2022-06-08. Review status: criteria provided, single submitter. Criteria: LabCorp Variant Classification Summary - May 2015. Collection method: clinical testing. Allele origin: germline.
Comment: Variant summary: DMD c.2622G>C (p.Lys874Asn) results in a non-conservative amino acid change in the encoded protein sequence. Three of five in-silico tools predict a damaging effect of the variant on protein function. Several computational tools predict a significant impact on normal splicing: Three predict the variant abolishes/weakens a 5' splicing donor site. Experimental evidence supports these predictions indicating the variant affects mRNA splicing, leading to an aberrant transcript with the last 20 nucleotides of exon 20 missing. The variant was absent in 183304 control chromosomes (gnomAD). c.2622G>C has been reported by a well-genotyped study in an individual affected with Becker muscular dystrophy (Takeshima_2010). No clinical diagnostic laboratories have submitted clinical-significance assessments for this variant to ClinVar after 2014. Based on the evidence outlined above, the variant was classified as likely pathogenic.

Literature cited by the submitters: PubMed 20485447 (cited by Labcorp Genetics (formerly Invitae), Labcorp and Women's Health and Genetics/Laboratory Corporation of America, LabCorp); PubMed 17576681 (cited by Labcorp Genetics (formerly Invitae), Labcorp); PubMed 9536098 (cited by Labcorp Genetics (formerly Invitae), Labcorp).